The following is an entry in ClinVar:

NM_015631.6(TCTN3):c.1688A>C (p.Asp563Ala)

Gene: TCTN3 (tectonic family member 3; minus strand). Cytogenetic location: 10q24.1.
Variant type: single nucleotide variant.
Coding change: c.1688A>C on transcript NM_015631.6 (MANE Select); coding-DNA position 1688, A replaced by C.
Protein change: p.Asp563Ala; replaces aspartic acid 563 with alanine.
Molecular consequence: missense variant.
Genome position (GRCh38, 1-based): chr10:95,664,203, T>G on the plus strand (A>C on the coding strand, the complement: TCTN3 is on the minus strand). VCF-style: chr10-95664203-T-G. GRCh37 (hg19) VCF-style: chr10-97423960-T-G.
Other names: c.1742A>C, p.Asp581Ala (NM_001013840.1); c.1244A>C, p.Asp415Ala (NM_001143973.2); c.1592A>C, p.Asp531Ala (NM_001410982.1); short protein forms D415A, D581A, D531A, D563A.
Identifiers: ClinVar variation 2145107 (VCV002145107.1), dbSNP rs369937483, ClinGen allele CA211792991.

ClinVar aggregate classification (germline): Uncertain significance (1 of 4 stars; one submission).

Conditions:
Joubert syndrome 18 (JBTS18). Identifiers: Orphanet 2754, MedGen C3553758, MONDO:0013896, OMIM 614815.
Orofacial-digital syndrome IV (OFD4). Also called: BARAITSER-BURN SYNDROME; OFD SYNDROME WITH TIBIAL DEFECTS; OFD SYNDROME, BARAITSER-BURN TYPE; OFDS IV; ORAL-FACIAL-DIGITAL SYNDROME, TYPE IV; Orofaciodigital syndrome IV. Identifiers: Orphanet 2753, MedGen C0406727, MONDO:0009794, OMIM 258860.

Allele frequency attached by ClinVar (database versions not stated): gnomAD exomes 0.00001; ESP Exome Variant Server 0.00008; gnomAD 0.00011; TOPMed 0.00013.
gnomAD v4.1: 28 of 1,614,154 alleles (0.0017%); highest among the groups gnomAD compares: African/African-American, 0.033%; no homozygotes.

Submission:

Labcorp Genetics (formerly Invitae), Labcorp
Classification: Uncertain significance for Joubert syndrome 18; Orofacial-digital syndrome IV. Last evaluated: 2022-10-17. Review status: criteria provided, single submitter. Criteria: Invitae Variant Classification Sherloc (09022015). Collection method: clinical testing. Allele origin: germline.
Comment: This sequence change replaces aspartic acid, which is acidic and polar, with alanine, which is neutral and non-polar, at codon 563 of the TCTN3 protein (p.Asp563Ala). This variant is present in population databases (rs369937483, gnomAD 0.02%). This variant has not been reported in the literature in individuals affected with TCTN3-related conditions. Advanced modeling of protein sequence and biophysical properties (such as structural, functional, and spatial information, amino acid conservation, physicochemical variation, residue mobility, and thermodynamic stability) performed at Invitae indicates that this missense variant is not expected to disrupt TCTN3 protein function. In summary, the available evidence is currently insufficient to determine the role of this variant in disease. Therefore, it has been classified as a Variant of Uncertain Significance.